The following is an entry in ClinVar:

NM_001136020.3(ICA1):c.1116C>G (p.Asp372Glu)

Gene: ICA1 (islet cell autoantigen 1; minus strand). Cytogenetic location: 7p21.3.
Variant type: single nucleotide variant.
Coding change: c.1116C>G on transcript NM_001136020.3 (MANE Select); coding-DNA position 1116, C replaced by G.
Protein change: p.Asp372Glu; replaces aspartic acid 372 with glutamic acid.
Molecular consequence: missense variant. On other transcripts: non-coding transcript variant (4).
Genome position (GRCh38, 1-based): chr7:8,128,087, G>C on the plus strand (C>G on the coding strand, the complement: ICA1 is on the minus strand). VCF-style: chr7-8128087-G-C. GRCh37 (hg19) VCF-style: chr7-8167717-G-C.
Other names: c.1137C>G, p.Asp379Glu (NM_001350830.2); c.1053C>G, p.Asp351Glu (NM_001350831.2, NM_001350832.2, NM_001350833.2); c.1050C>G, p.Asp350Glu (NM_001350834.2); c.894C>G, p.Asp298Glu (NM_001350835.2, NM_001350836.2, NM_001350837.2); c.891C>G, p.Asp297Glu (NM_001350838.2); c.1116C>G, p.Asp372Glu (NM_004968.4, NM_001350819.2, NM_001350820.2 and 1 more transcripts); c.1113C>G, p.Asp371Glu (NM_001276478.2, NM_001350821.2, NM_001350823.2 and 2 more transcripts); c.1203C>G, p.Asp401Glu (NM_001350826.2, NM_001350827.2); and 1 more; short protein forms D297E, D298E, D350E, D351E, D371E, D372E, D379E, D400E.
Identifiers: ClinVar variation 4885034 (VCV004885034.2).
Genomic context (GRCh38, chr7:8,128,087, plus strand): 5'-TTTGCTGAACTCGCCCTCTTCCAAGGAGGAAGCATTGAAGATCTCACTCAACAGCAGCAG[G>C]TCATCTTTGTCAGCACCTTCAGGTTCCGGGGTCCCTGCCACTGGTCCCAGGCAAGCTGAT-3'
Protein context (NP_001129492.1, residues 362-382): TPEPEGADKD[Asp372Glu]LLLLSEIFNA

ClinVar aggregate classification (germline): Uncertain significance (1 of 4 stars; one submission).

Submission:

Dasa
Classification: Uncertain significance. Last evaluated: 2025-11-10. Review status: criteria provided, single submitter. Criteria: DASA Assertion Criteria. Collection method: clinical testing. Allele origin: germline.
Comment: NM_001136020.3(ICA1):c.1116C>G (p.Asp372Glu) is a missense variant that results in the substitution of aspartic acid with glutamic acid. This variant is absent from population databases. Computational prediction algorithms are consistent with a benign effect. The currently available literature and clinical evidence are not sufficient to establish a definitive association between this variant and the reported condition. Therefore, this variant is classified as a variant of uncertain significance.